The following is an entry in ClinVar:

NM_201548.5(CERKL):c.1085G>A (p.Cys362Tyr)

Gene: CERKL (ceramide kinase like; minus strand). Cytogenetic location: 2q31.3.
Variant type: single nucleotide variant.
Coding change: c.1085G>A on transcript NM_201548.5 (MANE Select); coding-DNA position 1085, G replaced by A.
Protein change: p.Cys362Tyr; replaces cysteine 362 with tyrosine.
Molecular consequence: missense variant. On other transcripts: non-coding transcript variant (2).
Genome position (GRCh38, 1-based): chr2:181,548,593, C>T on the plus strand (G>A on the coding strand, the complement: CERKL is on the minus strand). VCF-style: chr2-181548593-C-T. GRCh37 (hg19) VCF-style: chr2-182413320-C-T.
Other names: c.1163G>A, p.Cys388Tyr (NM_001030311.3); c.746G>A, p.Cys249Tyr (NM_001030312.3); c.878G>A, p.Cys293Tyr (NM_001030313.3); c.1031G>A, p.Cys344Tyr (NM_001160277.2); short protein forms C249Y, C388Y, C362Y, C293Y, C344Y.
Identifiers: ClinVar variation 840347 (VCV000840347.5), dbSNP rs896858206, ClinGen allele CA61583200.
Genomic context (GRCh38, chr2:181,548,593, plus strand): 5'-GTTTTTACCTACCTTTCTTGCACATCATCAGAGCTGTTAAATGGTAAAAATGATATTTCA[C>T]AGTCTTCTGCCCTAAAATGTAATGAAATTTGTTATTAACAGTCATTGAACCTGGGATACA-3'
Protein context (NP_963842.1, residues 352-372): KALAKLKAED[Cys362Tyr]EISFLPFNSS

ClinVar aggregate classification (germline): Uncertain significance (1 of 4 stars; one submission).

Allele frequency attached by ClinVar (database versions not stated): gnomAD 0.00001.
gnomAD v4.1: 3 of 1,612,976 alleles (0.00019%); highest among the groups gnomAD compares: Admixed American, 0.0033%; no homozygotes.

Submission:

Labcorp Genetics (formerly Invitae), Labcorp
Classification: Uncertain significance. Last evaluated: 2022-07-05. Review status: criteria provided, single submitter. Criteria: Invitae Variant Classification Sherloc (09022015). Collection method: clinical testing. Allele origin: germline.
Comment: This sequence change replaces cysteine, which is neutral and slightly polar, with tyrosine, which is neutral and polar, at codon 388 of the CERKL protein (p.Cys388Tyr). This variant is not present in population databases (gnomAD no frequency). This variant has not been reported in the literature in individuals affected with CERKL-related conditions. ClinVar contains an entry for this variant (Variation ID: 840347). Algorithms developed to predict the effect of missense changes on protein structure and function are either unavailable or do not agree on the potential impact of this missense change (SIFT: "Deleterious"; PolyPhen-2: "Probably Damaging"; Align-GVGD: "Class C0"). In summary, the available evidence is currently insufficient to determine the role of this variant in disease. Therefore, it has been classified as a Variant of Uncertain Significance.